The following is an entry in ClinVar:

NC_000011.9:g.(?_2466329)_(2869233_?)del

Genes: KCNQ1 (potassium voltage-gated channel subfamily Q member 1; plus strand), KCNQ1OT1 (KCNQ1 opposite strand/antisense transcript 1; minus strand). Cytogenetic location: 11p15.5-15.4.
Variant type: Deletion.
Identifiers: ClinVar variation 2422594 (VCV002422594.6).

ClinVar aggregate classification (germline): Pathogenic (1 of 4 stars; one submission).

Conditions:
Long QT syndrome (LQTS). Identifiers: MedGen C0023976, MeSH D008133, MONDO:0002442. Disease mechanism: loss of function. Inheritance: Various modes of inheritance.

Submission:

Labcorp Genetics (formerly Invitae), Labcorp
Classification: Pathogenic for Long QT syndrome. Last evaluated: 2021-11-28. Review status: criteria provided, single submitter. Criteria: Invitae Variant Classification Sherloc (09022015). Collection method: clinical testing. Allele origin: germline.
Comment: For these reasons, this variant has been classified as Pathogenic. This variant has not been reported in the literature in individuals affected with KCNQ1-related conditions. A gross deletion of the genomic region encompassing the full coding sequence of the KCNQ1 gene has been identified. Loss-of-function variants in KCNQ1 are known to be pathogenic (PMID: 9323054, 19862833). The boundaries of this event are unknown as they extend beyond the assayed region for this gene and therefore may encompass additional genes.

Literature cited by the submitters: PubMed 9323054; PubMed 19862833.